The following is an entry in ClinVar:

NM_016203.4(PRKAG2):c.1313T>C (p.Phe438Ser)

Gene: PRKAG2 (protein kinase AMP-activated non-catalytic subunit gamma 2; minus strand). Cytogenetic location: 7q36.1.
Variant type: single nucleotide variant.
Coding change: c.1313T>C on transcript NM_016203.4 (MANE Select); coding-DNA position 1313, T replaced by C.
Protein change: p.Phe438Ser; replaces phenylalanine 438 with serine.
Molecular consequence: missense variant.
Genome position (GRCh38, 1-based): chr7:151,565,806, A>G on the plus strand (T>C on the coding strand, the complement: PRKAG2 is on the minus strand). VCF-style: chr7-151565806-A-G. GRCh37 (hg19) VCF-style: chr7-151262892-A-G.
Other names: c.1181T>C, p.Phe394Ser (NM_001040633.2, NM_001407024.1); c.938T>C, p.Phe313Ser (NM_001304527.2, NM_001407029.1); c.590T>C, p.Phe197Ser (NM_001304531.2, NM_001407034.1, NM_001407035.1 and 1 more transcripts); c.941T>C, p.Phe314Ser (NM_001363698.2, NM_001407028.1); c.1313T>C, p.Phe438Ser (NM_001407021.1); c.1310T>C, p.Phe437Ser (NM_001407022.1, NM_001407023.1); c.1178T>C, p.Phe393Ser (NM_001407026.1, NM_001407027.1); c.1025T>C, p.Phe342Ser (NM_001407030.1); and 6 more; short protein forms F217S, F313S, F437S, F197S, F330S, F332S, F393S, F213S.
Identifiers: ClinVar variation 3425025 (VCV003425025.3).
Genomic context (GRCh38, chr7:151,565,806, plus strand): 5'-GATATTCGTCTTTCCACAAATATGTTCAAGGCTTTGATGATGGGAGTGTCTGGATGTATG[A>G]AGGCAATGTTGTGGTACGTTCCTATTCCAAGCTCATCCAGGTTCTGCTTCATGAAGGCAG-3'
Protein context (NP_057287.2, residues 428-448): LGIGTYHNIA[Phe438Ser]IHPDTPIIKA

ClinVar aggregate classification (germline): Uncertain significance. Review status: criteria provided, multiple submitters, no conflicts (2 of 4 stars). 2 submissions from 2 submitters: Uncertain significance (2). Last evaluated 2024-08-03.

Conditions:
Cardiovascular phenotype. Identifiers: MedGen CN230736.
Lethal congenital glycogen storage disease of heart. Also called: GLYCOGEN STORAGE DISEASE OF HEART; PHOSPHORYLASE KINASE DEFICIENCY OF HEART. Identifiers: Orphanet 439854, MedGen C1849813, MONDO:0009867, OMIM 261740.

Submissions (2):

Ambry Genetics
Classification: Uncertain significance for Cardiovascular phenotype. Last evaluated: 2024-08-03. Review status: criteria provided, single submitter. Criteria: Ambry Variant Classification Scheme 2023. Collection method: clinical testing. Allele origin: germline.
Comment: The p.F438S variant (also known as c.1313T>C), located in coding exon 12 of the PRKAG2 gene, results from a T to C substitution at nucleotide position 1313. The phenylalanine at codon 438 is replaced by serine, an amino acid with highly dissimilar properties. This amino acid position is conserved. In addition, this alteration is predicted to be deleterious by in silico analysis. Based on the available evidence, the clinical significance of this variant remains unclear.

Labcorp Genetics (formerly Invitae), Labcorp
Classification: Uncertain significance for Lethal congenital glycogen storage disease of heart. Last evaluated: 2024-06-12. Review status: criteria provided, single submitter. Criteria: Invitae Variant Classification Sherloc (09022015). Collection method: clinical testing. Allele origin: germline.
Comment: This sequence change replaces phenylalanine, which is neutral and non-polar, with serine, which is neutral and polar, at codon 438 of the PRKAG2 protein (p.Phe438Ser). This variant is not present in population databases (gnomAD no frequency). This variant has not been reported in the literature in individuals affected with PRKAG2-related conditions. Advanced modeling of protein sequence and biophysical properties (such as structural, functional, and spatial information, amino acid conservation, physicochemical variation, residue mobility, and thermodynamic stability) performed at Invitae indicates that this missense variant is not expected to disrupt PRKAG2 protein function with a negative predictive value of 95%. In summary, the available evidence is currently insufficient to determine the role of this variant in disease. Therefore, it has been classified as a Variant of Uncertain Significance.